The following is an entry in ClinVar:

NM_138477.4(CDAN1):c.2868+1G>C

Gene: CDAN1 (codanin 1; minus strand). Cytogenetic location: 15q15.2.
Variant type: single nucleotide variant.
Coding change: c.2868+1G>C on transcript NM_138477.4 (MANE Select); the canonical splice donor site of the intron after coding-DNA position 2868, G replaced by C.
Molecular consequence: splice donor variant.
Genome position (GRCh38, 1-based): chr15:42,728,203, C>G on the plus strand (G>C on the coding strand, the complement: CDAN1 is on the minus strand). VCF-style: chr15-42728203-C-G. GRCh37 (hg19) VCF-style: chr15-43020401-C-G.
Other names: NC_000015.9:g.43020401C>G.
Identifiers: ClinVar variation 4402634 (VCV004402634.2).

ClinVar aggregate classification (germline): Pathogenic (1 of 4 stars; one submission).

gnomAD v4.1: 7 of 1,613,436 alleles (0.00043%); highest among the groups gnomAD compares: South Asian, 0.0011%; no homozygotes.

Submissions (2):

Dasa
Classification: Pathogenic. Last evaluated: 2025-04-11. Review status: criteria provided, single submitter. Criteria: DASA Assertion Criteria. Collection method: clinical testing. Allele origin: germline.
Comment: NM_138477.4(CDAN1):c.2868+1G>C introduces a premature termination codon predicted to result in loss of normal protein function. Loss-of-function is an established mechanism of disease for this gene. This variant results in the same amino acid change as a previously established pathogenic variant. This variant has been reported in individuals with related phenotype (PMID: 33401150). The variant is present at low frequency in population datasets. Based on the available data, this variant is classified as pathogenic.

Dr. Peter K. Rogan Lab, Western University
No classification provided (evidence only). Condition: Cervical cancer. Review status: no classification provided. Collection method: in vitro. Allele origin: not applicable. Functional consequence: retained intron. Not counted in ClinVar's aggregate classification.

Literature cited by the submitters: PubMed 33401150 (cited by Dasa).